The following is an entry in ClinVar:

NM_001102654.2(NTF3):c.657G>A (p.Arg219=)

Gene: NTF3 (neurotrophin 3; plus strand). Cytogenetic location: 12p13.31.
Variant type: single nucleotide variant.
Coding change: c.657G>A on transcript NM_001102654.2 (MANE Select); coding-DNA position 657, G replaced by A.
Protein change: p.Arg219=; no amino-acid change (arginine 219 retained).
Molecular consequence: synonymous variant.
Genome position (GRCh38, 1-based): chr12:5,494,832, G>A. VCF-style: chr12-5494832-G-A. GRCh37 (hg19) VCF-style: chr12-5603998-G-A.
Other names: c.618G>A, p.Arg206= (NM_002527.5).
Identifiers: ClinVar variation 2642596 (VCV002642596.24), dbSNP rs2497489924, ClinGen allele CA478096371.
Genomic context (GRCh38, chr12:5,494,832, plus strand): 5'-CAAACAATATTTTTATGAAACGCGATGTAAGGAAGCCAGGCCGGTCAAAAACGGTTGCAG[G>A]GGTATTGATGATAAACACTGGAACTCTCAGTGCAAAACATCCCAAACCTACGTCCGAGCA-3'
Protein context (NP_001096124.1, residues 209-229): KEARPVKNGC[Arg219=]GIDDKHWNSQ

ClinVar aggregate classification (germline): Likely benign (1 of 4 stars; one submission).

Allele frequency attached by ClinVar (database versions not stated): gnomAD exomes 0.00001.
gnomAD v4.1: 3 of 1,614,064 alleles (0.00019%); highest among the groups gnomAD compares: Non-Finnish European, 0.00025%; no homozygotes.

Submission:

CeGaT Center for Human Genetics Tuebingen
Classification: Likely benign. Last evaluated: 2022-07-01. Review status: criteria provided, single submitter. Criteria: CeGaT Center For Human Genetics Tuebingen Variant Classification Criteria Version 2. Collection method: clinical testing. Allele origin: germline. Affected: yes. Observed: 1 variant allele.
Comment: NTF3: PM2:Supporting, BP4, BP7